The following is an entry in ClinVar:

ClinVar aggregate classification (germline): Uncertain significance (1 of 4 stars; one submission).

Submission:

Labcorp Genetics (formerly Invitae), Labcorp
Classification: Uncertain significance. Last evaluated: 2024-10-29. Review status: criteria provided, single submitter. Criteria: Invitae Variant Classification Sherloc (09022015). Collection method: clinical testing. Allele origin: germline.
Comment: This variant, c.11510_11512del, results in the deletion of 1 amino acid(s) of the ZNF469 protein (p.Asn3837del), but otherwise preserves the integrity of the reading frame. This variant is not present in population databases (gnomAD no frequency). This variant has not been reported in the literature in individuals affected with ZNF469-related conditions. ClinVar contains an entry for this variant (Variation ID: 2818534). Experimental studies and prediction algorithms are not available or were not evaluated, and the functional significance of this variant is currently unknown. In summary, the available evidence is currently insufficient to determine the role of this variant in disease. Therefore, it has been classified as a Variant of Uncertain Significance.

NM_001367624.2(ZNF469):c.11594_11596del (p.Asn3865del)

Gene: ZNF469 (zinc finger protein 469; plus strand). Cytogenetic location: 16q24.2.
Variant type: Deletion.
Coding change: c.11594_11596del on transcript NM_001367624.2 (MANE Select); coding-DNA positions 11594 to 11596, 3 bases deleted (ACA; older notation c.11594_11596delACA).
Protein change: p.Asn3865del; deletes asparagine 3865.
Molecular consequence: inframe deletion.
Genome position (GRCh38, 1-based): chr16:88,439,064-88,439,066, ACA deleted; deleting any 3 consecutive bases within chr16:88,439,062-88,439,066 gives the same sequence; the c. name uses the placement nearest the transcript's 3' end. VCF-style (leftmost placement, unchanged base first): chr16-88439061-CCAA-C. GRCh37 (hg19) VCF-style: chr16-88505469-CCAA-C.
Other names: short protein forms N3865del.
Identifiers: ClinVar variation 2818534 (VCV002818534.3), dbSNP rs2507609516, ClinGen allele CA2739266949.